The following is an entry in ClinVar:

NM_001379403.1(WDR26):c.2093G>A (p.Trp698Ter)

Gene: WDR26 (WD repeat domain 26; minus strand). Cytogenetic location: 1q42.11.
Variant type: single nucleotide variant.
Coding change: c.2093G>A on transcript NM_001379403.1 (MANE Select); coding-DNA position 2093, G replaced by A.
Protein change: p.Trp698Ter; replaces tryptophan 698 with a stop codon.
Molecular consequence: nonsense.
Genome position (GRCh38, 1-based): chr1:224,393,995, C>T on the plus strand (G>A on the coding strand, the complement: WDR26 is on the minus strand). VCF-style: chr1-224393995-C-T. GRCh37 (hg19) VCF-style: chr1-224581697-C-T.
Other names: c.1745G>A, p.Trp582Ter (NM_001115113.3); c.1793G>A, p.Trp598Ter (NM_025160.7); short protein forms W582*, W598*, W698*.
Identifiers: ClinVar variation 4814222 (VCV004814222.2).

ClinVar aggregate classification (germline): Pathogenic (1 of 4 stars; one submission).

Conditions:
Skraban-Deardorff syndrome. Also called: INTELLECTUAL DISABILITY WITH SEIZURES, ABNORMAL GAIT, AND DISTINCTIVE FACIAL FEATURES; WDR26-Related Intellectual Disability. Identifiers: Orphanet 513456, MedGen C4539927, MONDO:0054636, OMIM 617616.

Submission:

Rady Children's Institute for Genomic Medicine, Rady Children's Hospital San Diego
Classification: Pathogenic for Skraban-Deardorff syndrome. Last evaluated: 2025-07-11. Review status: criteria provided, single submitter. Criteria: ACMG Guidelines, 2015. Collection method: clinical testing. Allele origin: germline. Affected: yes.
Comment: This nonsense variant found in exon 13 of 14 is predicted to result in loss of normal protein function through either protein truncation or nonsense-mediated mRNA decay. The WDR26 gene is constrained against variation (Z-score= 3.35 and pLI = 1.00), and loss-of-function variants are an established mechanism of disease (HGMD, ClinVar database; PMID: 39363971). This variant has not been previously reported or functionally characterized in the literature to our knowledge. The c.2093G>A (p.Trp698Ter) variant is absent from the latest version of the gnomAD population database and thus is presumed to be rare. Based on parental analysis, this variant likely occurred as a de novo event. Based on the available evidence, c.2093G>A (p.Trp698Ter) is classified as Pathogenic.

Literature cited by the submitters: PubMed 39363971 (cited by Rady Children's Institute for Genomic Medicine, Rady Children's Hospital San Diego).